The following is an entry in ClinVar:

ClinVar aggregate classification (germline): Uncertain significance (1 of 4 stars; one submission).

Allele frequency attached by ClinVar (database versions not stated): TOPMed below 0.00001; gnomAD 0.00001; gnomAD exomes 0.00001 and 0.00002.

Submission:

Labcorp Genetics (formerly Invitae), Labcorp
Classification: Uncertain significance. Last evaluated: 2021-01-08. Review status: criteria provided, single submitter. Criteria: Invitae Variant Classification Sherloc (09022015). Collection method: clinical testing. Allele origin: germline.
Comment: This variant is not present in population databases (ExAC no frequency). This sequence change replaces proline with serine at codon 55 of the CPLANE1 protein (p.Pro55Ser). The proline residue is weakly conserved and there is a moderate physicochemical difference between proline and serine. This variant has not been reported in the literature in individuals with CPLANE1-related conditions. Advanced modeling of protein sequence and biophysical properties (such as structural, functional, and spatial information, amino acid conservation, physicochemical variation, residue mobility, and thermodynamic stability) performed at Invitae indicates that this missense variant is expected to disrupt CPLANE1 protein function. In summary, the available evidence is currently insufficient to determine the role of this variant in disease. Therefore, it has been classified as a Variant of Uncertain Significance.

NM_001384732.1(CPLANE1):c.163C>T (p.Pro55Ser)

Gene: CPLANE1 (ciliogenesis and planar polarity effector complex subunit 1; minus strand). Cytogenetic location: 5p13.2.
Variant type: single nucleotide variant.
Coding change: c.163C>T on transcript NM_001384732.1 (MANE Select); coding-DNA position 163, C replaced by T.
Protein change: p.Pro55Ser; replaces proline 55 with serine.
Molecular consequence: missense variant.
Genome position (GRCh38, 1-based): chr5:37,245,764, G>A on the plus strand (C>T on the coding strand, the complement: CPLANE1 is on the minus strand). VCF-style: chr5-37245764-G-A. GRCh37 (hg19) VCF-style: chr5-37245866-G-A.
Other names: c.163C>T, p.Pro55Ser (NM_023073.4); short protein forms P55S.
Identifiers: ClinVar variation 1389343 (VCV001389343.8), dbSNP rs1392679014, ClinGen allele CA359524417.